The following is an entry in ClinVar:

ClinVar aggregate classification (germline): Uncertain significance (1 of 4 stars; one submission).

Submission:

Labcorp Genetics (formerly Invitae), Labcorp
Classification: Uncertain significance. Last evaluated: 2024-01-25. Review status: criteria provided, single submitter. Criteria: Invitae Variant Classification Sherloc (09022015). Collection method: clinical testing. Allele origin: germline.
Comment: This sequence change creates a premature translational stop signal (p.Trp1241Cysfs*50) in the MAGI2 gene. While this is not anticipated to result in nonsense mediated decay, it is expected to disrupt the last 215 amino acid(s) of the MAGI2 protein. This variant is not present in population databases (gnomAD no frequency). This variant has not been reported in the literature in individuals affected with MAGI2-related conditions. Experimental studies and prediction algorithms are not available or were not evaluated, and the functional significance of this variant is currently unknown. In summary, the available evidence is currently insufficient to determine the role of this variant in disease. Therefore, it has been classified as a Variant of Uncertain Significance.

NM_012301.4(MAGI2):c.3723_3736del (p.Trp1241fs)

Gene: MAGI2 (membrane associated guanylate kinase, WW and PDZ domain containing 2; minus strand). Cytogenetic location: 7q21.11.
Variant type: Deletion.
Coding change: c.3723_3736del on transcript NM_012301.4 (MANE Select); coding-DNA positions 3723 to 3736, 14 bases deleted (GAGTTCTCCCGCTG).
Protein change: p.Trp1241fs; shifts the reading frame from tryptophan 1241.
Molecular consequence: frameshift variant.
Genome position (GRCh38, 1-based): chr7:78,019,947-78,019,960, CAGCGGGAGAACTC deleted on the plus strand (GAGTTCTCCCGCTG on the coding strand, the reverse complement: MAGI2 is on the minus strand); deleting any 14 consecutive bases within chr7:78,019,947-78,019,963 gives the same sequence; the c. name uses the placement nearest the transcript's 3' end. VCF-style (leftmost placement, unchanged base first): chr7-78019946-GCAGCGGGAGAACTC-G. GRCh37 (hg19) VCF-style: chr7-77649263-GCAGCGGGAGAACTC-G.
Other names: c.3681_3694del, p.Trp1227fs (NM_001301128.2); short protein forms W1227fs, W1241fs.
Identifiers: ClinVar variation 2972751 (VCV002972751.3), dbSNP rs2484239171, ClinGen allele CA2683485272.